The following is an entry in ClinVar:

NM_001035.3(RYR2):c.13743C>G (p.Val4581=)

Gene: RYR2 (ryanodine receptor 2; plus strand). Cytogenetic location: 1q43.
Variant type: single nucleotide variant.
Coding change: c.13743C>G on transcript NM_001035.3 (MANE Select); coding-DNA position 13743, C replaced by G.
Protein change: p.Val4581=; no amino-acid change (valine 4581 retained).
Molecular consequence: synonymous variant.
Genome position (GRCh38, 1-based): chr1:237,792,284, C>G. VCF-style: chr1-237792284-C-G. GRCh37 (hg19) VCF-style: chr1-237955584-C-G.
Other names: c.13743C>G (NM_001035.2).
Identifiers: ClinVar variation 919662 (VCV000919662.13), dbSNP rs377670364, ClinGen allele CA39832329.
Genomic context (GRCh38, chr1:237,792,284, plus strand): 5'-AGAGGAGAGCAGCGGCTACATGGAGCCCACGTTGCGTATCTTAGCTATTCTGCACACGGT[C>G]ATTTCTTTCTTCTGCATCATTGGATACTACTGCTTGAAAGTAAGATAGTAAGGCACCAAG-3'
Protein context (NP_001026.2, residues 4571-4591): TLRILAILHT[Val4581=]ISFFCIIGYY

ClinVar aggregate classification (germline): Conflicting classifications of pathogenicity. Review status: criteria provided, conflicting classifications (1 of 4 stars). 4 submissions from 4 submitters: Uncertain significance (2); Likely benign (2). Last evaluated 2025-09-22.

Conditions:
Catecholaminergic polymorphic ventricular tachycardia (CVPT). Also called: Catecholamine-induced polymorphic ventricular tachycardia. Identifiers: Orphanet 3286, MedGen C5574922, MONDO:0017990.
Cardiovascular phenotype. Identifiers: MedGen CN230736.
Cardiomyopathy (CMYO). Also called: Cardiomyopathies. Identifiers: Orphanet 167848, MedGen C0878544, MONDO:0004994, HP:0001638. Inheritance: Various modes of inheritance.
Catecholaminergic polymorphic ventricular tachycardia 1. Also called: VENTRICULAR TACHYCARDIA, CATECHOLAMINERGIC POLYMORPHIC, 1, WITH OR WITHOUT ATRIAL DYSFUNCTION AND/OR DILATED CARDIOMYOPATHY; RYR2-Related Catecholaminergic Polymorphic Ventricular Tachycardia; VENTRICULAR TACHYCARDIA, STRESS-INDUCED POLYMORPHIC 1. Identifiers: Orphanet 3286, MedGen C1631597, MONDO:0011484, OMIM 604772.

Allele frequency attached by ClinVar (database versions not stated): gnomAD exomes below 0.00001; gnomAD 0.00001; TOPMed 0.00002; ESP Exome Variant Server 0.00008.
gnomAD v4.1: 5 of 1,612,248 alleles (0.00031%); highest among the groups gnomAD compares: African/African-American, 0.0013%; no homozygotes.

Submissions (4):

Ambry Genetics
Classification: Uncertain significance for Cardiovascular phenotype. Last evaluated: 2025-09-22. Review status: criteria provided, single submitter. Criteria: Ambry Variant Classification Scheme 2023. Collection method: clinical testing. Allele origin: germline.
Comment: The c.13743C>G variant (also known as p.V4581V), located in coding exon 94 of the RYR2 gene, results from a C to G substitution at nucleotide position 13743. This nucleotide substitution does not change the amino acid at codon 4581. This nucleotide position is well conserved in available vertebrate species. In silico splice site analysis predicts that this alteration may result in the creation or strengthening of a novel splice donor site. Based on the available evidence, the clinical significance of this variant remains unclear.

Labcorp Genetics (formerly Invitae), Labcorp
Classification: Likely benign for Catecholaminergic polymorphic ventricular tachycardia 1. Last evaluated: 2024-11-08. Review status: criteria provided, single submitter. Criteria: Invitae Variant Classification Sherloc (09022015). Collection method: clinical testing. Allele origin: germline.

Color Diagnostics, LLC DBA Color Health
Classification: Likely benign for Cardiomyopathy. Last evaluated: 2023-12-05. Review status: criteria provided, single submitter. Criteria: ACMG Guidelines, 2015. Collection method: clinical testing. Allele origin: germline.

All of Us Research Program, National Institutes of Health
Classification: Uncertain significance for Catecholaminergic polymorphic ventricular tachycardia. Last evaluated: 2023-05-16. Review status: criteria provided, single submitter. Criteria: ACMG Guidelines, 2015. Collection method: clinical testing. Allele origin: germline. Inheritance: Autosomal dominant inheritance. Observed: 3 variant alleles, 3 heterozygotes.
Comment: Variant of Uncertain Significance due to insufficient evidence: This synonymous variant does not change the amino acid sequence of the RYR2 protein. However, computational splicing tools suggest that this variant may disrupt RNA splicing. To our knowledge, functional studies have not been performed to investigate this prediction. This variant has not been reported in individuals affected with cardiovascular disorders in the literature. This variant has been identified in 1/30956 chromosomes in the general population by the Genome Aggregation Database (gnomAD). Available evidence is insufficient to determine the role of this variant in disease conclusively.

This study involves interpretation of variants in research participants for the purpose of population health screening. Participant phenotype was not available at the time of variant classification. Additional details can be found in publication PMID: 35346344, PMCID: PMC8962531